The following is an entry in ClinVar:

NM_004991.4(MECOM):c.1302G>A (p.Ala434=)

Gene: MECOM (MDS1 and EVI1 complex locus; minus strand). Cytogenetic location: 3q26.2.
Variant type: single nucleotide variant.
Coding change: c.1302G>A on transcript NM_004991.4 (MANE Select); coding-DNA position 1302, G replaced by A.
Protein change: p.Ala434=; no amino-acid change (alanine 434 retained).
Molecular consequence: synonymous variant. On other transcripts: intron variant (2).
Genome position (GRCh38, 1-based): chr3:169,116,570, C>T on the plus strand (G>A on the coding strand, the complement: MECOM is on the minus strand). VCF-style: chr3-169116570-C-T. GRCh37 (hg19) VCF-style: chr3-168834358-C-T.
Other names: c.933G>A, p.Ala311= (NM_001105077.4); c.738G>A, p.Ala246= (NM_001105078.4, NM_001164000.2, NM_001205194.2 and 4 more transcripts); c.741G>A, p.Ala247= (NM_001163999.2, NM_001366467.2, NM_001366468.2 and 1 more transcripts); c.1302G>A, p.Ala434= (NM_001366466.2); c.1133-803G>A (NM_001366473.2); c.569-803G>A (NM_001366474.2); c.1302G>A (NM_004991.3); c.738G>A (NM_001105078.3).
Identifiers: ClinVar variation 2173151 (VCV002173151.6), dbSNP rs199815249, ClinGen allele CA2696367.

ClinVar aggregate classification (germline): Benign/Likely benign. Review status: criteria provided, multiple submitters, no conflicts (2 of 4 stars). 3 submissions from 3 submitters: Benign (1); Likely benign (2). Last evaluated 2026-04-17.

Conditions:
MECOM-related disorder. Also called: MECOM-related condition.
Inborn genetic diseases. Identifiers: MedGen C0950123, MeSH D030342.

Allele frequency attached by ClinVar (database versions not stated): gnomAD exomes 0.00006; TOPMed 0.00007; gnomAD 0.00009; ExAC 0.00016; 1000 Genomes Project 30x 0.00062; 1000 Genomes Project 0.00080.
gnomAD v4.1: 101 of 1,614,142 alleles (0.0063%); highest among the groups gnomAD compares: East Asian, 0.094%; no homozygotes.

Submissions (3):

PreventionGenetics, part of Exact Sciences
Classification: Likely benign for MECOM-related condition. Last evaluated: 2026-04-17. Review status: criteria provided, single submitter. Criteria: ACMG Guidelines, 2015. Collection method: clinical testing. Allele origin: germline.
Comment: This variant is classified as likely benign based on ACMG/AMP sequence variant interpretation guidelines (Richards et al. 2015 PMID: 25741868, with internal and published modifications).

Labcorp Genetics (formerly Invitae), Labcorp
Classification: Benign. Last evaluated: 2025-12-10. Review status: criteria provided, single submitter. Criteria: Invitae Variant Classification Sherloc (09022015). Collection method: clinical testing. Allele origin: germline.

Ambry Genetics
Classification: Likely benign for Inborn genetic diseases. Last evaluated: 2024-11-20. Review status: criteria provided, single submitter. Criteria: Ambry Variant Classification Scheme 2023. Collection method: clinical testing. Allele origin: germline.